The following is an entry in ClinVar:

ClinVar aggregate classification (germline): Likely benign (1 of 4 stars; one submission).

Conditions:
Factor 5 and Factor VIII, combined deficiency of, 2. Identifiers: Orphanet 35909, MedGen C3150889, MONDO:0013331, OMIM 613625.

Allele frequency attached by ClinVar (database versions not stated): 1000 Genomes Project 30x 0.00718; gnomAD 0.00754 and 0.00806; 1000 Genomes Project 0.00639; TOPMed 0.00817.

Submission:

Illumina Laboratory Services, Illumina
Classification: Likely benign for Factor 5 and Factor VIII, combined deficiency of, 2. Last evaluated: 2018-01-12. Review status: criteria provided, single submitter. Criteria: ICSL Variant Classification Criteria 13 December 2019. Collection method: clinical testing. Allele origin: germline.
Comment: This variant was observed in the ICSL laboratory as part of a predisposition screen in an ostensibly healthy population. It had not been previously curated by ICSL or reported in the Human Gene Mutation Database (HGMD: prior to June 1st, 2018), and was therefore a candidate for classification through an automated scoring system. Utilizing variant allele frequency, disease prevalence and penetrance estimates, and inheritance mode, an automated score was calculated to assess if this variant is too frequent to cause the disease. Based on the score and internal cut-off values, a variant classified as likely benign is not then subjected to further curation. The score for this variant resulted in a classification of likely benign for this disease.

NM_139279.6(MCFD2):c.*1407C>T

Genes: MCFD2 (multiple coagulation factor deficiency 2, ER cargo receptor complex subunit; minus strand), MCFD2-AS1 (MCFD2 antisense RNA 1; plus strand). Cytogenetic location: 2p21.
Variant type: single nucleotide variant.
Coding change: c.*1407C>T on transcript NM_139279.6 (MANE Select); 1407 bases downstream of the stop codon, C replaced by T.
Molecular consequence: 3 prime UTR variant.
Genome position (GRCh38, 1-based): chr2:46,904,056, G>A on the plus strand (C>T on the coding strand, the complement: MCFD2 is on the minus strand). VCF-style: chr2-46904056-G-A. GRCh37 (hg19) VCF-style: chr2-47131195-G-A.
Other names: c.*1407C>T (NM_001171506.2, NM_001171507.2, NM_001171508.2 and 3 more transcripts).
Identifiers: ClinVar variation 898040 (VCV000898040.4), dbSNP rs138459734, ClinGen allele CA46624101.